The following is an entry in ClinVar:

ClinVar aggregate classification (germline): Uncertain significance. Review status: criteria provided, multiple submitters, no conflicts (2 of 4 stars). 6 submissions from 6 submitters: Uncertain significance (6). Last evaluated 2025-11-05.

Conditions:
Spastic paraplegia. Identifiers: MedGen C0037772, HP:0001258.
Inborn genetic diseases. Identifiers: MedGen C0950123, MeSH D030342.
Hereditary spastic paraplegia 15 (SPG15). Also called: SPASTIC PARAPLEGIA AND RETINAL DEGENERATION; SPASTIC PARAPLEGIA 15, AUTOSOMAL RECESSIVE; KJELLIN SYNDROME. Identifiers: Orphanet 100996, MedGen C1849128, MONDO:0010044, OMIM 270700.
Hereditary spastic paraplegia. Also called: Familial spastic paraparesis. Identifiers: Orphanet 685, MedGen C0037773, MONDO:0019064. Disease mechanism: loss of function.

Allele frequency attached by ClinVar (database versions not stated): ExAC 0.00008; gnomAD exomes 0.00008 and 0.00026; TOPMed 0.00011; gnomAD 0.00012 and 0.00014; ESP Exome Variant Server 0.00038.
gnomAD v4.1: 402 of 1,613,586 alleles (0.025%); highest among the groups gnomAD compares: Non-Finnish European, 0.032%; no homozygotes.

Submissions (6):

Mayo Clinic Laboratories, Mayo Clinic
Classification: Uncertain significance. Last evaluated: 2025-11-05. Review status: criteria provided, single submitter. Criteria: ACMG Guidelines, 2015. Collection method: clinical testing. Allele origin: germline. Observed: 1 variant allele.
Comment: BP4_moderate, PM2_supporting

Ambry Genetics
Classification: Uncertain significance for Inborn genetic diseases. Last evaluated: 2025-03-06. Review status: criteria provided, single submitter. Criteria: Ambry Variant Classification Scheme 2023. Collection method: clinical testing. Allele origin: germline.

Labcorp Genetics (formerly Invitae), Labcorp
Classification: Uncertain significance for Spastic paraplegia. Last evaluated: 2025-01-06. Review status: criteria provided, single submitter. Criteria: Invitae Variant Classification Sherloc (09022015). Collection method: clinical testing. Allele origin: germline.
Comment: This sequence change replaces threonine, which is neutral and polar, with methionine, which is neutral and non-polar, at codon 1976 of the ZFYVE26 protein (p.Thr1976Met). This variant is present in population databases (rs149744465, gnomAD 0.02%). This variant has not been reported in the literature in individuals affected with ZFYVE26-related conditions. ClinVar contains an entry for this variant (Variation ID: 660743). An algorithm developed to predict the effect of missense changes on protein structure and function (PolyPhen-2) suggests that this variant is likely to be disruptive. In summary, the available evidence is currently insufficient to determine the role of this variant in disease. Therefore, it has been classified as a Variant of Uncertain Significance.

GeneDx
Classification: Uncertain significance. Last evaluated: 2020-05-15. Review status: criteria provided, single submitter. Criteria: GeneDx Variant Classification Process June 2021. Collection method: clinical testing. Allele origin: germline. Affected: yes.
Comment: In silico analysis supports that this missense variant does not alter protein structure/function; Has not been previously published as pathogenic or benign to our knowledge

Genome Diagnostics Laboratory, The Hospital for Sick Children
Classification: Uncertain significance for Hereditary spastic paraplegia. Last evaluated: 2018-09-01. Review status: criteria provided, single submitter. Criteria: ACMG Guidelines, 2015. Collection method: clinical testing. Allele origin: germline. Affected: yes.

Illumina Laboratory Services, Illumina
Classification: Uncertain significance for Hereditary spastic paraplegia 15. Last evaluated: 2018-01-13. Review status: criteria provided, single submitter. Criteria: ICSL Variant Classification Criteria 13 December 2019. Collection method: clinical testing. Allele origin: germline.

NM_015346.4(ZFYVE26):c.5927C>T (p.Thr1976Met)

Gene: ZFYVE26 (zinc finger FYVE-type containing 26; minus strand). Cytogenetic location: 14q24.1.
Variant type: single nucleotide variant.
Coding change: c.5927C>T on transcript NM_015346.4 (MANE Select); coding-DNA position 5927, C replaced by T.
Protein change: p.Thr1976Met; replaces threonine 1976 with methionine.
Molecular consequence: missense variant.
Genome position (GRCh38, 1-based): chr14:67,766,311, G>A on the plus strand (C>T on the coding strand, the complement: ZFYVE26 is on the minus strand). VCF-style: chr14-67766311-G-A. GRCh37 (hg19) VCF-style: chr14-68233028-G-A.
Other names: p.Thr1976Met; short protein forms T1976M.
Identifiers: ClinVar variation 660743 (VCV000660743.16), dbSNP rs149744465, ClinGen allele CA7239357.
Genomic context (GRCh38, chr14:67,766,311, plus strand): 5'-CTCTGGCCGGCTTTGACGAACATCATCTTGGCGCTGAACAGCAGCTGCTTCATGATGTCC[G>A]TGAGCAGCCCGGCATCCACCTCTGGGTTGGTGAGGCCCTTGGAGAGCCTGCAGCAGTGCT-3'
Protein context (NP_056161.2, residues 1966-1986): TNPEVDAGLL[Thr1976Met]DIMKQLLFSA